The following is an entry in ClinVar:

ClinVar aggregate classification (germline): Uncertain significance (1 of 4 stars; one submission).

Conditions:
Hereditary cancer-predisposing syndrome. Also called: Tumor predisposition; Hereditary Cancer Syndrome; Hereditary neoplastic syndrome; Neoplastic Syndromes, Hereditary. Identifiers: Orphanet 140162, MedGen C0027672, MeSH D009386, MONDO:0015356.

Submission:

Ambry Genetics
Classification: Uncertain significance for Hereditary cancer-predisposing syndrome. Last evaluated: 2024-05-19. Review status: criteria provided, single submitter. Criteria: Ambry Variant Classification Scheme 2023. Collection method: clinical testing. Allele origin: germline.
Comment: The p.S1389P variant (also known as c.4165T>C), located in coding exon 20 of the MET gene, results from a T to C substitution at nucleotide position 4165. The serine at codon 1389 is replaced by proline, an amino acid with similar properties. This amino acid position is conserved. In addition, this alteration is predicted to be tolerated by in silico analysis. Based on the available evidence, the clinical significance of this variant remains unclear.

NM_000245.4(MET):c.4111T>C (p.Ser1371Pro)

Gene: MET (MET proto-oncogene, receptor tyrosine kinase; plus strand). Cytogenetic location: 7q31.2.
Variant type: single nucleotide variant.
Coding change: c.4111T>C on transcript NM_000245.4 (MANE Select); coding-DNA position 4111, T replaced by C.
Protein change: p.Ser1371Pro; replaces serine 1371 with proline.
Molecular consequence: missense variant.
Genome position (GRCh38, 1-based): chr7:116,796,062, T>C. VCF-style: chr7-116796062-T-C. GRCh37 (hg19) VCF-style: chr7-116436116-T-C.
Other names: c.4165T>C, p.Ser1389Pro (NM_001127500.3); c.2821T>C, p.Ser941Pro (NM_001324402.2); short protein forms S941P, S1371P, S1389P.
Identifiers: ClinVar variation 3294365 (VCV003294365.1).